The following is an entry in ClinVar:

ClinVar aggregate classification (germline): Uncertain significance. Review status: criteria provided, multiple submitters, no conflicts (2 of 4 stars). 6 submissions from 3 submitters: Uncertain significance (6). Last evaluated 2025-01-30.

Conditions:
Hemolytic uremic syndrome, atypical, susceptibility to, 1. Also called: AHUS, SUSCEPTIBILITY TO, 1. Identifiers: Orphanet 2134, Orphanet 90038, MedGen C2749604, MONDO:0009335, OMIM 235400. Disease mechanism: Other.
Age related macular degeneration 4. Identifiers: MedGen C1853147, MONDO:0012540, OMIM 610698.
Factor H deficiency (CFHD). Also called: COMPLEMENT FACTOR H DEFICIENCY; CFH DEFICIENCY. Identifiers: Orphanet 200421, MedGen C0398777, MONDO:0012350, OMIM 609814.
Basal laminar drusen. Also called: DRUSEN OF BRUCH MEMBRANE; DRUSEN, CUTICULAR; DRUSEN, EARLY ADULT-ONSET, GROUPED. Identifiers: Orphanet 75376, MedGen C0730295, MONDO:0007472, OMIM 126700.

Allele frequency attached by ClinVar (database versions not stated): gnomAD exomes below 0.00001; TOPMed below 0.00001; gnomAD 0.00001.
gnomAD v4.1: 2 of 1,611,604 alleles (0.00012%); highest among the groups gnomAD compares: Admixed American, 0.0017%; no homozygotes.

Submissions (6):

Labcorp Genetics (formerly Invitae), Labcorp
Classification: Uncertain significance. Last evaluated: 2025-01-30. Review status: criteria provided, single submitter. Criteria: Invitae Variant Classification Sherloc (09022015). Collection method: clinical testing. Allele origin: germline.
Comment: This sequence change replaces glutamic acid, which is acidic and polar, with glycine, which is neutral and non-polar, at codon 677 of the CFH protein (p.Glu677Gly). This variant is not present in population databases (gnomAD no frequency). This variant has not been reported in the literature in individuals affected with CFH-related conditions. ClinVar contains an entry for this variant (Variation ID: 1962482). An algorithm developed to predict the effect of missense changes on protein structure and function (PolyPhen-2) suggests that this variant is likely to be tolerated. Algorithms developed to predict the effect of sequence changes on RNA splicing suggest that this variant may disrupt the consensus splice site. In summary, the available evidence is currently insufficient to determine the role of this variant in disease. Therefore, it has been classified as a Variant of Uncertain Significance.

Genome-Nilou Lab
Classification: Uncertain significance for Hemolytic uremic syndrome, atypical, susceptibility to, 1. Last evaluated: 2023-04-11. Review status: criteria provided, single submitter. Criteria: ACMG Guidelines, 2015. Collection method: clinical testing. Allele origin: germline. Affected: no.

Genome-Nilou Lab
Classification: Uncertain significance for Age related macular degeneration 4. Last evaluated: 2023-04-11. Review status: criteria provided, single submitter. Criteria: ACMG Guidelines, 2015. Collection method: clinical testing. Allele origin: germline. Affected: no.

Genome-Nilou Lab
Classification: Uncertain significance for Basal laminar drusen. Last evaluated: 2023-04-11. Review status: criteria provided, single submitter. Criteria: ACMG Guidelines, 2015. Collection method: clinical testing. Allele origin: germline. Affected: no.

Genome-Nilou Lab
Classification: Uncertain significance for Factor H deficiency. Last evaluated: 2023-04-11. Review status: criteria provided, single submitter. Criteria: ACMG Guidelines, 2015. Collection method: clinical testing. Allele origin: germline. Affected: no.

Revvity Omics, Revvity
Classification: Uncertain significance. Last evaluated: 2020-12-22. Review status: criteria provided, single submitter. Criteria: ACMG Guidelines, 2015. Collection method: clinical testing. Allele origin: germline.

NM_000186.4(CFH):c.2030A>G (p.Glu677Gly)

Gene: CFH (complement factor H; plus strand). Cytogenetic location: 1q31.3.
Variant type: single nucleotide variant.
Coding change: c.2030A>G on transcript NM_000186.4 (MANE Select); coding-DNA position 2030, A replaced by G.
Protein change: p.Glu677Gly; replaces glutamic acid 677 with glycine.
Molecular consequence: missense variant.
Genome position (GRCh38, 1-based): chr1:196,726,626, A>G. VCF-style: chr1-196726626-A-G. GRCh37 (hg19) VCF-style: chr1-196695756-A-G.
Other names: short protein forms E677G.
Identifiers: ClinVar variation 1962482 (VCV001962482.9), dbSNP rs934809554, ClinGen allele CA35860754.